The following is an entry in ClinVar:

NM_001127222.2(CACNA1A):c.7400G>A (p.Arg2467Gln)

Gene: CACNA1A (calcium voltage-gated channel subunit alpha1 A; minus strand). Cytogenetic location: 19p13.13.
Variant type: single nucleotide variant.
Coding change: c.7400G>A on transcript NM_001127222.2 (MANE Select); coding-DNA position 7400, G replaced by A.
Protein change: p.Arg2467Gln; replaces arginine 2467 with glutamine.
Molecular consequence: missense variant. On other transcripts: 3 prime UTR variant (3).
Genome position (GRCh38, 1-based): chr19:13,207,434, C>T on the plus strand (G>A on the coding strand, the complement: CACNA1A is on the minus strand). VCF-style: chr19-13207434-C-T. GRCh37 (hg19) VCF-style: chr19-13318248-C-T.
Other names: c.*612G>A (NM_000068.4, NM_001127221.2, NM_001174080.2); c.7418G>A, p.Arg2473Gln (NM_023035.3); short protein forms R2473Q, R2467Q.
Identifiers: ClinVar variation 448964 (VCV000448964.36), dbSNP rs1199275549, ClinGen allele CA404326933.
Genomic context (GRCh38, chr19:13,207,434, plus strand): 5'-CCGCGGGGCCTGGCCAGTCCGTGCGCCGGGTAGTAGCCGTTGGGGAGTCGCCGGCCGTGC[C>T]GAGAAGGCGAGGCGCAGGCCGGGCCCGAGGCCCGGGGAGTCCTGGGCGAGCGCCCGGTGG-3'
Protein context (NP_001120694.1, residues 2457-2477): ASGPACASPS[Arg2467Gln]HGRRLPNGYY

ClinVar aggregate classification (germline): Uncertain significance. Review status: criteria provided, multiple submitters, no conflicts (2 of 4 stars). 2 submissions from 2 submitters: Uncertain significance (2). Last evaluated 2023-04-01.

Conditions:
Episodic ataxia type 2 (EA2). Also called: ACETAZOLAMIDE-RESPONSIVE HEREDITARY PAROXYSMAL CEREBELLAR ATAXIA; ATAXIA, EPISODIC, WITH NYSTAGMUS; ATAXIA, FAMILIAL PAROXYSMAL; CEREBELLAR ATAXIA, PAROXYSMAL, ACETAZOLAMIDE-RESPONSIVE; CEREBELLOPATHY, HEREDITARY PAROXYSMAL; EPISODIC ATAXIA, NYSTAGMUS-ASSOCIATED. Identifiers: Orphanet 97, MedGen C1720416, MONDO:0007163, OMIM 108500.

Allele frequency attached by ClinVar (database versions not stated): TOPMed 0.00006.
gnomAD v4.1: 30 of 1,519,784 alleles (0.002%); highest among the groups gnomAD compares: African/African-American, 0.0042%; no homozygotes.

Submissions (2):

CeGaT Center for Human Genetics Tuebingen
Classification: Uncertain significance. Last evaluated: 2023-04-01. Review status: criteria provided, single submitter. Criteria: CeGaT Center For Human Genetics Tuebingen Variant Classification Criteria Version 2. Collection method: clinical testing. Allele origin: germline. Affected: yes. Observed: 4 variant alleles.
Comment: CACNA1A: PP2, PP3

MVZ Martinsried, Medicover Genetics
Classification: Uncertain significance for Episodic ataxia type 2. Last evaluated: 2017-01-12. Review status: criteria provided, single submitter. Criteria: ACMG Guidelines, 2015. Collection method: clinical testing. Allele origin: unknown. Affected: yes.